The following is an entry in ClinVar:

ClinVar aggregate classification (germline): Likely pathogenic (1 of 4 stars; one submission).

Conditions:
Autosomal recessive limb-girdle muscular dystrophy. Identifiers: Orphanet 102015, MedGen C2931907, MONDO:0015152.

Submission:

Myriad Genetics, Inc.
Classification: Likely pathogenic for Autosomal recessive limb-girdle muscular dystrophy. Last evaluated: 2021-12-16. Review status: criteria provided, single submitter. Criteria: Myriad Autosomal Dominant, Autosomal Recessive and X-Linked Classification Criteria (2023). Collection method: clinical testing. Allele origin: unknown.
Comment: NM_003494.3(DYSF):c.544delG(A182Lfs*45) is expected to be pathogenic in the context of dysferlinopathy. This variant is predicted to lead to an abnormal or absent protein product due to the creation of a premature termination codon in DYSF, a gene where loss-of-function variants are known to be pathogenic. Please note: this variant was assessed in the context of healthy population screening.

NM_001130987.2(DYSF):c.640del (p.Ala214fs)

Gene: DYSF (dysferlin; plus strand). Cytogenetic location: 2p13.2.
Variant type: Deletion.
Coding change: c.640del on transcript NM_001130987.2 (MANE Select); coding-DNA position 640, one base deleted (G; older notation c.640delG).
Protein change: p.Ala214fs; shifts the reading frame from alanine 214.
Molecular consequence: frameshift variant.
Genome position (GRCh38, 1-based): chr2:71,513,802, G deleted; the last of 5 consecutive G bases (chr2:71,513,798-71,513,802); deleting any one gives the same sequence. VCF-style (leftmost placement, unchanged base first): chr2-71513797-CG-C. GRCh37 (hg19) VCF-style: chr2-71740927-CG-C.
Other names: c.547del, p.Ala183fs (NM_001130455.2, NM_001130983.2, NM_001130984.2 and 1 more transcripts); c.544del, p.Ala182fs (NM_001130976.2, NM_001130977.2, NM_001130978.2 and 1 more transcripts); c.637del, p.Ala213fs (NM_001130979.2, NM_001130980.2, NM_001130981.2); c.640del, p.Ala214fs (NM_001130982.2, NM_001130985.2); short protein forms A182fs, A183fs, A213fs, A214fs.
Identifiers: ClinVar variation 1726372 (VCV001726372.3), dbSNP rs2545396000, ClinGen allele CA2580067788.
Genomic context (GRCh38, chr2:71,513,797, plus strand): 5'-CAGAGGACCAGGGACTCACTGGAGATGAGGCGGAGCCATTCCTGGATCAAAGCGGAGGCC[CG>C]GGGGCTCCCACCACCCCAAGGAAACTACCTTCACGTCCTCCGCCCCACTACCCCGGGATC-3'